The following is an entry in ClinVar:

NC_000014.8:g.(?_51087297)_(51099057_?)del

Gene: ATL1 (atlastin GTPase 1; plus strand). Cytogenetic location: 14q22.1.
Variant type: Deletion.
Identifiers: ClinVar variation 3244010 (VCV003244010.1).

ClinVar aggregate classification (germline): Uncertain significance (1 of 4 stars; one submission).

Conditions:
Hereditary spastic paraplegia 3A (SPG3A). Also called: Spastic Paraplegia 3A; Spastic paraplegia 3A, autosomal dominant; SPASTIC PARAPLEGIA 3, AUTOSOMAL DOMINANT; FAMILIAL SPASTIC PARAPLEGIA, AUTOSOMAL DOMINANT, 1; SPG3; STRUMPELL DISEASE. Identifiers: Orphanet 100984, MedGen C2931355, MONDO:0008437, OMIM 182600.

Submission:

Labcorp Genetics (formerly Invitae), Labcorp
Classification: Uncertain significance for Hereditary spastic paraplegia 3A. Last evaluated: 2022-11-08. Review status: criteria provided, single submitter. Criteria: Invitae Variant Classification Sherloc (09022015). Collection method: clinical testing. Allele origin: unknown.
Comment: In summary, the available evidence is currently insufficient to determine the role of this variant in disease. Therefore, it has been classified as a Variant of Uncertain Significance. Experimental studies and prediction algorithms are not available or were not evaluated, and the functional significance of this variant is currently unknown. This variant has not been reported in the literature in individuals affected with ATL1-related conditions. This variant is a gross deletion of the genomic region encompassing exon(s) 9-14 of the ATL1 gene, which includes the termination codon. This deletion extends beyond the assayed region for this gene and therefore may encompass additional genes. While this deletion is not anticipated to lead to nonsense mediated decay, it is expected to alter mRNA translation or result in a truncated protein product.